The following is an entry in ClinVar:

ClinVar aggregate classification (germline): Uncertain significance (1 of 4 stars; one submission).

Submission:

GeneDx
Classification: Uncertain significance. Last evaluated: 2023-04-26. Review status: criteria provided, single submitter. Criteria: GeneDx Variant Classification Process June 2021. Collection method: clinical testing. Allele origin: germline. Affected: yes.
Comment: Not observed at significant frequency in large population cohorts (gnomAD); In silico analysis supports that this missense variant has a deleterious effect on protein structure/function; Has not been previously published as pathogenic or benign to our knowledge

NM_002941.4(ROBO1):c.3100G>A (p.Glu1034Lys)

Gene: ROBO1 (roundabout guidance receptor 1; minus strand). Cytogenetic location: 3p12.3.
Variant type: single nucleotide variant.
Coding change: c.3100G>A on transcript NM_002941.4 (MANE Select); coding-DNA position 3100, G replaced by A.
Protein change: p.Glu1034Lys; replaces glutamic acid 1034 with lysine.
Molecular consequence: missense variant. On other transcripts: intron variant (1).
Genome position (GRCh38, 1-based): chr3:78,636,046, C>T on the plus strand (G>A on the coding strand, the complement: ROBO1 is on the minus strand). VCF-style: chr3-78636046-C-T. GRCh37 (hg19) VCF-style: chr3-78685196-C-T.
Other names: c.2965G>A, p.Glu989Lys (NM_001145844.1, NM_133631.4); c.2903-103G>A (NM_001145845.2); short protein forms E1034K, E989K.
Identifiers: ClinVar variation 2662837 (VCV002662837.1), dbSNP rs2471881183, ClinGen allele CA353652950.
Genomic context (GRCh38, chr3:78,636,046, plus strand): 5'-TGAAGGTTTTCATCTCATTGATTTTGTTACTAAGGTCCACATCACCATAAACAGTTGACT[C>T]AGGGAGCATCAGATTTGTTTGTTTGTTATCCAGTTGGTTGTTATAATTTGCTATACAATC-3'
Protein context (NP_002932.1, residues 1024-1044): DNKQTNLMLP[Glu1034Lys]STVYGDVDLS